The following is an entry in ClinVar:

ClinVar aggregate classification (germline): Uncertain significance. Review status: criteria provided, multiple submitters, no conflicts (2 of 4 stars). 2 submissions from 2 submitters: Uncertain significance (2). Last evaluated 2026-06-04.

Conditions:
VWF-related disorder. Also called: VWF-related condition; VWF-related disorders.

Allele frequency attached by ClinVar (database versions not stated): 1000 Genomes Project 30x 0.00016.
gnomAD v4.1: 68 of 1,614,102 alleles (0.0042%); highest among the groups gnomAD compares: South Asian, 0.049%; 1 homozygote.

Submissions (2):

PreventionGenetics, part of Exact Sciences
Classification: Uncertain significance for VWF-related condition. Last evaluated: 2026-06-04. Review status: criteria provided, single submitter. Criteria: ACMG Guidelines, 2015. Collection method: clinical testing. Allele origin: germline.
Comment: The VWF c.1027G>A variant is predicted to result in the amino acid substitution p.Val343Met. This variant was reported in an individual with type 1 Von Willebrand disease (Vangenechten et al. 2019. PubMed ID: 30722078). This variant is reported in 0.069% of alleles in individuals of South Asian descent in gnomAD. At this time, the clinical significance of this variant is uncertain due to the absence of conclusive functional and genetic evidence.

GeneDx
Classification: Uncertain significance. Last evaluated: 2022-10-02. Review status: criteria provided, single submitter. Criteria: GeneDx Variant Classification Process June 2021. Collection method: clinical testing. Allele origin: germline. Affected: yes.
Comment: In silico analysis supports that this missense variant does not alter protein structure/function; This variant is associated with the following publications: (PMID: 30722078, Rekha2017[Abstract])

NM_000552.5(VWF):c.1027G>A (p.Val343Met)

Gene: VWF (von Willebrand factor; minus strand). Cytogenetic location: 12p13.31.
Variant type: single nucleotide variant.
Coding change: c.1027G>A on transcript NM_000552.5 (MANE Select); coding-DNA position 1027, G replaced by A.
Protein change: p.Val343Met; replaces valine 343 with methionine.
Molecular consequence: missense variant.
Genome position (GRCh38, 1-based): chr12:6,072,413, C>T on the plus strand (G>A on the coding strand, the complement: VWF is on the minus strand). VCF-style: chr12-6072413-C-T. GRCh37 (hg19) VCF-style: chr12-6181579-C-T.
Other names: c.1027G>A (NM_000552.4); short protein forms V343M.
Identifiers: ClinVar variation 2446575 (VCV002446575.2), dbSNP rs746575545, ClinGen allele CA6403583.
Genomic context (GRCh38, chr12:6,072,413, plus strand): 5'-GGGAGGTGCCGGGAGGGTAGCGCTTTCCGGAATGCACGCAGGGACACTCGGTGCTCTCCA[C>T]GCAGAGGCCTTCATCCAGGAGCTGTCCCTCTGGGGTCAAGGGCATCAAGACAAAGGCCTC-3'
Protein context (NP_000543.3, residues 333-353): EGQLLDEGLC[Val343Met]ESTECPCVHS